The following is an entry in ClinVar:

ClinVar aggregate classification (germline): Pathogenic/Likely pathogenic. Review status: criteria provided, multiple submitters, no conflicts (2 of 4 stars). 16 submissions from 16 submitters: Pathogenic (13); Likely pathogenic (1). 2 of the submissions do not count toward it. Last evaluated 2026-07-01.

Conditions:
Inborn genetic diseases. Identifiers: MedGen C0950123, MeSH D030342.
C6-related disorder. Also called: C6-related condition.
Complement component 6 deficiency (C6D). Also called: C6 DEFICIENCY. Identifiers: MedGen C2676232, MONDO:0012908, OMIM 612446.
C6-related disorders.

Allele frequency attached by ClinVar (database versions not stated): gnomAD exomes 0.00018 and 0.00051; ExAC 0.00070; gnomAD 0.00191 and 0.00206; 1000 Genomes Project 30x 0.00219; ESP Exome Variant Server 0.00224; 1000 Genomes Project 0.00240; TOPMed 0.00242.

Submissions (16):

CeGaT Center for Human Genetics Tuebingen
Classification: Pathogenic. Last evaluated: 2026-07-01. Review status: criteria provided, single submitter. Criteria: CeGaT Center For Human Genetics Tuebingen Variant Classification Criteria Version 2. Collection method: clinical testing. Allele origin: germline. Affected: yes. Observed: 2 variant alleles.
Comment: C6: PM3:Very Strong, PVS1, PM2:Supporting

Labcorp Genetics (formerly Invitae), Labcorp
Classification: Pathogenic. Last evaluated: 2026-02-02. Review status: criteria provided, single submitter. Criteria: Invitae Variant Classification Sherloc (09022015). Collection method: clinical testing. Allele origin: germline.
Comment: This sequence change creates a premature translational stop signal (p.Gln380Serfs*7) in the C6 gene. It is expected to result in an absent or disrupted protein product. Loss-of-function variants in C6 are known to be pathogenic (PMID: 17257682). This variant is present in population databases (rs375762365, gnomAD 0.7%), and has an allele count higher than expected for a pathogenic variant. This premature translational stop signal has been observed in individual(s) with C6 deficiency (PMID: 9472666, 12653841, 22668955). It has also been observed to segregate with disease in related individuals. This variant is also known as 1195delC. ClinVar contains an entry for this variant (Variation ID: 997513). For these reasons, this variant has been classified as Pathogenic.

Ambry Genetics
Classification: Pathogenic for Inborn genetic diseases. Last evaluated: 2025-10-30. Review status: criteria provided, single submitter. Criteria: Ambry Variant Classification Scheme 2023. Collection method: clinical testing. Allele origin: germline.
Comment: The c.1138delC (p.Q380Sfs*7) alteration, located in exon 8 (coding exon 7) of the C6 gene, consists of a deletion of one nucleotide at position 1138, causing a translational frameshift with a predicted alternate stop codon after 7 amino acids. This alteration is expected to result in loss of function by premature protein truncation or nonsense-mediated mRNA decay. Based on data from gnomAD, this allele has an overall frequency of 0.069% (195/282318) total alleles studied. The highest observed frequency was 0.729% (182/24960) of African alleles. This variant has been identified in the homozygous state and/or in conjunction with other C6 variant(s) in individual(s) with features consistent with C6-related complement deficiency; in at least one instance, the variants were identified in trans (Dragon-Durey, 2003, Zhu, 1998, Hobart, 1998, Parham, 2007, Rosain, 2017, Ferreira, 2023). Based on the available evidence, this alteration is classified as pathogenic.

Dasa
Classification: Pathogenic. Last evaluated: 2025-10-15. Review status: criteria provided, single submitter. Criteria: DASA Assertion Criteria. Collection method: clinical testing. Allele origin: germline.
Comment: NM_000065.5(C6):c.1138del (p.Gln380Serfs*7) introduces a premature termination codon predicted to result in loss of normal protein function. Loss-of-function is an established mechanism of disease for this gene. Segregation evidence has been reported in affected families. This variant has been recurrently observed in affected individuals with related phenotype in a genotype context consistent with recessive disease (PMID: 37592284; PMID: 36510129; PMID: 22668955). The variant is present at low frequency in population datasets. Based on the available data, this variant is classified as pathogenic.

Mayo Clinic Laboratories, Mayo Clinic
Classification: Pathogenic. Last evaluated: 2025-10-08. Review status: criteria provided, single submitter. Criteria: ACMG Guidelines, 2015. Collection method: clinical testing. Allele origin: germline. Observed: 1 variant allele.
Comment: PM3_strong, PVS1

Women's Health and Genetics/Laboratory Corporation of America, LabCorp
Classification: Pathogenic for Complement component 6 deficiency. Last evaluated: 2024-07-11. Review status: criteria provided, single submitter. Criteria: LabCorp Variant Classification Summary - May 2015. Collection method: clinical testing. Allele origin: germline.
Comment: Variant summary: C6 c.1138delC (p.Gln380SerfsX7) results in a premature termination codon, predicted to cause a truncation of the encoded protein or absence of the protein due to nonsense mediated decay, which are commonly known mechanisms for disease. The variant allele was found at a frequency of 0.00051 in 250918 control chromosomes in the gnomAD database, including 1 homozygotes. This frequency is not significantly higher than estimated for a pathogenic variant in C6 causing Complement Component 6 Deficiency, allowing no conclusion about variant significance. c.1138delC has been reported in the literature in multiple individuals affected with Complement Component 6 Deficiency (e.g., Zhu_1998). These data indicate that the variant is likely to be associated with disease. The following publication has been ascertained in the context of this evaluation (PMID: 9472666). ClinVar contains an entry for this variant (Variation ID: 997513). Based on the evidence outlined above, the variant was classified as pathogenic.

Blueprint Genetics
Classification: Pathogenic for C6-related disorders. Last evaluated: 2024-05-16. Review status: criteria provided, single submitter. Criteria: ACMG Guidelines, 2015. Collection method: clinical testing. Allele origin: germline. Affected: yes. Observed: 5 variant alleles.

Genomic Medicine Center of Excellence, King Faisal Specialist Hospital and Research Centre
Classification: Pathogenic for Complement component 6 deficiency. Last evaluated: 2024-03-26. Review status: criteria provided, single submitter. Criteria: ACMG Guidelines, 2015. Collection method: clinical testing. Allele origin: germline.

GeneDx
Classification: Pathogenic. Last evaluated: 2024-02-09. Review status: criteria provided, single submitter. Criteria: GeneDx Variant Classification Process June 2021. Collection method: clinical testing. Allele origin: germline. Affected: yes.
Comment: Frameshift variant predicted to result in protein truncation or nonsense mediated decay in a gene for which loss of function is a known mechanism of disease; Also known as c.1195delC; This variant is associated with the following publications: (PMID: 28368462, 12653841, 9472666, 22668955, 34125832)

Johns Hopkins Genomics, Johns Hopkins University
Classification: Pathogenic for Complement component 6 deficiency. Last evaluated: 2022-08-31. Review status: criteria provided, single submitter. Criteria: ACMG Guidelines, 2015. Collection method: clinical testing. Allele origin: germline.
Comment: This C6 variant (rs1014460156) has been identified in a large population dataset and the minor allele frequency is neither low enough to consider the variant rare (<0.1%) nor high enough to consider it a population polymorphism (>1%) within the African subpopulation (gnomAD: 182/24960 alleles; 0.73%, 1 homozygote). This variant, also referred to as 1195delC in the literature, has been reported in ClinVar. It has been observed in a compound heterozygous state in unrelated individuals with C6D, and it has been shown to segregate with disease in a single family. This variant results in a frameshift in exon 8 likely leading to nonsense-mediated decay and lack of protein production. This variant alone is not predicted to cause disease. We consider this variant to be pathogenic.

Fulgent Genetics
Classification: Pathogenic for Complement component 6 deficiency. Last evaluated: 2022-05-04. Review status: criteria provided, single submitter. Criteria: ACMG Guidelines, 2015. Collection method: clinical testing. Allele origin: unknown.

Mendelics
Classification: Pathogenic for Complement component 6 deficiency. Last evaluated: 2022-05-04. Review status: criteria provided, single submitter. Criteria: Mendelics Assertion Criteria 2019. Collection method: clinical testing. Allele origin: germline.

AiLife Diagnostics
Classification: Likely pathogenic. Last evaluated: 2022-03-18. Review status: criteria provided, single submitter. Criteria: ACMG Guidelines, 2015. Collection method: clinical testing. Allele origin: germline. Affected: yes. Observed: 1 variant allele.

Variantyx, Inc.
Classification: Pathogenic for Complement component 6 deficiency. Review status: criteria provided, single submitter. Criteria: Variantyx Assertion Criteria 2022. Collection method: clinical testing. Allele origin: germline. Inheritance: Autosomal recessive inheritance. Affected: yes.
Comment: This is a frameshift variant in the C6 gene (OMIM: 217050). Pathogenic variants in this gene have been associated with autosomal recessive C6 deficiency. This variant introduces a premature termination codon in exon 8 out of 18. It is expected to result in loss of function, which is a known disease mechanism for C6 in this disorder (PMID: 17257682) (PVS1). This variant has been identified in the homozygous or compound heterozygous state in at least 3 individual(s) from the published literature (PMID: 9472666 , 12653841 , 37592284)(PM3_Strong). This variant has been observed to segregate with disease in at least one family (PMID: 9472666) (PP1). This variant has a 0.6798% maximum allele frequency in non-founder control populations. Based on the current evidence, this variant is classified as pathogenic for autosomal recessive C6 deficiency.

PreventionGenetics, part of Exact Sciences
Classification: Likely pathogenic for C6-related condition. Last evaluated: 2024-04-23. Review status: no assertion criteria provided. Collection method: clinical testing. Allele origin: germline. Not counted in ClinVar's aggregate classification.
Comment: The C6 c.1138delC variant is predicted to result in a frameshift and premature protein termination (p.Gln380Serfs*7). This variant has been reported in the homozygous and compound heterozygous states in multiple individuals with complement C6 deficiency (Figure 1, Zhu et al. 1998. PubMed ID: 9472666; Table 1, Dragon-Durey et al. 2003. PubMed ID: 12653841; Table S1, Rosain et al. 2017. PubMed ID: 28368462). This variant is reported in 0.73% of alleles in individuals of African descent in gnomAD. Frameshift variants in C6 are expected to be pathogenic. This variant is interpreted as likely pathogenic.

OMIM
Classification: Pathogenic for C6 DEFICIENCY. Last evaluated: 2022-04-30. Review status: no assertion criteria provided. Collection method: literature only. Allele origin: germline. Not counted in ClinVar's aggregate classification.

Literature cited by the submitters: PubMed 17257682 (cited by 4 submitters); PubMed 9472666 (cited by 7 submitters); PubMed 12653841 (cited by 6 submitters); PubMed 22668955 (cited by Labcorp Genetics (formerly Invitae), Labcorp and Dasa); PubMed 9856498 (cited by 3 submitters); PubMed 28368462 (cited by 3 submitters); PubMed 37592284 (cited by 4 submitters); PubMed 36510129 (cited by Dasa); PubMed 10632667 (cited by Mayo Clinic Laboratories, Mayo Clinic and OMIM); PubMed 34125832 (cited by Mayo Clinic Laboratories, Mayo Clinic); PubMed 8512929 (cited by OMIM).

NM_000065.5(C6):c.1138del (p.Gln380fs)

Gene: C6 (complement C6; minus strand). Cytogenetic location: 5p13.1.
Variant type: Deletion.
Coding change: c.1138del on transcript NM_000065.5 (MANE Select); coding-DNA position 1138, one base deleted (C; older notation c.1138delC).
Protein change: p.Gln380fs; shifts the reading frame from glutamine 380.
Molecular consequence: frameshift variant.
Genome position (GRCh38, 1-based): chr5:41,176,505, G deleted on the plus strand (C on the coding strand, the reverse complement: C6 is on the minus strand). VCF-style (leftmost placement, unchanged base first): chr5-41176504-TG-T. GRCh37 (hg19) VCF-style: chr5-41176606-TG-T.
Other names: C6, 1-BP DEL, 1195C; p.Gln380Serfs*7; c.1138del (NM_000065.3, NM_000065.4); c.1138delC (NM_000065.5, NM_000065.2); c.1138del, p.Gln380fs (NM_001115131.4); short protein forms Q380fs.
Identifiers: ClinVar variation 997513 (VCV000997513.24), dbSNP rs375762365, ClinGen allele CA3252564.